The following is an entry in ClinVar:

ClinVar aggregate classification (germline): Likely pathogenic (1 of 4 stars; one submission).

Conditions:
Alagille syndrome due to a JAG1 point mutation. Also called: HEPATIC DUCTULAR HYPOPLASIA, SYNDROMATIC; Alagille Syndrome 1; JAG1-Related Alagille Syndrome. Identifiers: Orphanet 261619, Orphanet 52, MedGen C1956125, MONDO:0016862, OMIM 118450.

Submission:

Regional Center For Medical Genetics Timis, Louis Turcanu Emergency Hospital for Children Timisoara
Classification: Likely pathogenic for Alagille syndrome due to a JAG1 point mutation. Last evaluated: 2024-07-05. Review status: criteria provided, single submitter. Criteria: ACMG Guidelines, 2015. Collection method: research. Allele origin: germline. Affected: yes. Observed: 1 heterozygote.
Comment: This variant is absent from healthy population databases (gnomAD v4.1.0 genomes and exomes). This variant leads to frameshift, premature stop codon occurrence and loss of function (LOF). JAG1-LOF variants are known to be pathogenic. Therefore, the variant was classified as likely pathogenic, according to ACMG 2015 guidelines.

NM_000214.3(JAG1):c.2181dup (p.Lys728Ter)

Gene: JAG1 (jagged canonical Notch ligand 1; minus strand). Cytogenetic location: 20p12.2.
Variant type: Duplication.
Coding change: c.2181dup on transcript NM_000214.3 (MANE Select); coding-DNA position 2181, one base duplicated (T; older notation c.2181dupT).
Protein change: p.Lys728Ter; replaces lysine 728 with a stop codon.
Molecular consequence: nonsense.
Genome position (GRCh38, 1-based): chr20:10,645,189, A duplicated on the plus strand (T on the coding strand, the reverse complement: JAG1 is on the minus strand); the first of 4 consecutive A bases (chr20:10,645,189-10,645,192); duplicating any one gives the same sequence. VCF-style (leftmost placement, unchanged base first): chr20-10645188-T-TA. GRCh37 (hg19) VCF-style: chr20-10625836-T-TA.
Other names: short protein forms K728*.
Identifiers: ClinVar variation 3253737 (VCV003253737.2), dbSNP rs2514513311.
Genomic context (GRCh38, chr20:10,645,188, plus strand): 5'-GGGGCATAAAGTTACCTATGTTACAGGTTGTTCCTTCCCAGCCGCCAGGACACATGCACT[T>TA]AAAAGCATCCCCCTCATCATAGCAGGTGCCACCGTTGTTGCACGTGGCCTCATCACACTG-3'